The following is an entry in ClinVar:

NM_000535.7(PMS2):c.2366T>C (p.Met789Thr)

Gene: PMS2 (PMS1 homolog 2, mismatch repair system component; minus strand). Cytogenetic location: 7p22.1.
Variant type: single nucleotide variant.
Coding change: c.2366T>C on transcript NM_000535.7 (MANE Select); coding-DNA position 2366, T replaced by C.
Protein change: p.Met789Thr; replaces methionine 789 with threonine.
Molecular consequence: missense variant. On other transcripts: non-coding transcript variant (1).
Genome position (GRCh38, 1-based): chr7:5,977,667, A>G on the plus strand (T>C on the coding strand, the complement: PMS2 is on the minus strand). VCF-style: chr7-5977667-A-G. GRCh37 (hg19) VCF-style: chr7-6017298-A-G.
Other names: c.1961T>C, p.Met654Thr (NM_001018040.1, NM_001322003.2, NM_001322004.2 and 12 more transcripts); c.2210T>C, p.Met737Thr (NM_001322006.2); c.2048T>C, p.Met683Thr (NM_001322007.2, NM_001322008.2, NM_001406883.1); c.1994T>C, p.Met665Thr (NM_001322009.2, NM_001406887.1, NM_001406888.1); c.1805T>C, p.Met602Thr (NM_001322010.2, NM_001406906.1, NM_001406907.1); c.1433T>C, p.Met478Thr (NM_001322011.2, NM_001322012.2); c.1793T>C, p.Met598Thr (NM_001322013.2, NM_001406908.1, NM_001406909.1); c.2399T>C, p.Met800Thr (NM_001322014.2); and 20 more; short protein forms M618T, M627T, M677T, M697T, M789T, M797T, M478T, M532T.
Identifiers: ClinVar variation 1790222 (VCV001790222.2), dbSNP rs2128673626, ClinGen allele CA366735816.

ClinVar aggregate classification (germline): Uncertain significance (1 of 4 stars; one submission).

Conditions:
Hereditary cancer-predisposing syndrome. Also called: Hereditary Cancer Syndrome; Hereditary neoplastic syndrome; Tumor predisposition; Neoplastic Syndromes, Hereditary. Identifiers: Orphanet 140162, MedGen C0027672, MeSH D009386, MONDO:0015356.

Submission:

Ambry Genetics
Classification: Uncertain significance for Hereditary cancer-predisposing syndrome. Last evaluated: 2021-08-02. Review status: criteria provided, single submitter. Criteria: Ambry Variant Classification Scheme 2023. Collection method: clinical testing. Allele origin: germline.
Comment: The p.M789T variant (also known as c.2366T>C), located in coding exon 14 of the PMS2 gene, results from a T to C substitution at nucleotide position 2366. The methionine at codon 789 is replaced by threonine, an amino acid with similar properties. This amino acid position is well conserved in available vertebrate species. In addition, the in silico prediction for this alteration is inconclusive. Since supporting evidence is limited at this time, the clinical significance of this alteration remains unclear.